The following is an entry in ClinVar:

ClinVar aggregate classification (germline): Likely pathogenic (1 of 4 stars; one submission).

Conditions:
Hereditary spastic paraplegia 39 (SPG39). Also called: SPASTIC PARAPLEGIA 39, AUTOSOMAL RECESSIVE; Spastic Paraplegia Type 39 (SPG39). Identifiers: Orphanet 139480, MedGen C2677586, MONDO:0012787, OMIM 612020.

Submission:

Labcorp Genetics (formerly Invitae), Labcorp
Classification: Likely pathogenic for Hereditary spastic paraplegia 39. Last evaluated: 2022-12-21. Review status: criteria provided, single submitter. Criteria: Invitae Variant Classification Sherloc (09022015). Collection method: clinical testing. Allele origin: germline.
Comment: Algorithms developed to predict the effect of sequence changes on RNA splicing suggest that this variant may disrupt the consensus splice site. In summary, the currently available evidence indicates that the variant is pathogenic, but additional data are needed to prove that conclusively. Therefore, this variant has been classified as Likely Pathogenic. Disruption of this splice site has been observed in individual(s) with Boucher-Neuhäuser syndrome (PMID: 35069422). This variant is not present in population databases (gnomAD no frequency). This sequence change affects a donor splice site in intron 8 of the PNPLA6 gene. It is expected to disrupt RNA splicing. Variants that disrupt the donor or acceptor splice site typically lead to a loss of protein function (PMID: 16199547), and loss-of-function variants in PNPLA6 are known to be pathogenic (PMID: 24355708).

Literature cited by the submitters: PubMed 35069422; PubMed 16199547; PubMed 24355708.

NM_001166114.2(PNPLA6):c.714+1G>A

Gene: PNPLA6 (patatin like domain 6, lysophospholipase; plus strand). Cytogenetic location: 19p13.2.
Variant type: single nucleotide variant.
Coding change: c.714+1G>A on transcript NM_001166114.2 (MANE Select); the canonical splice donor site of the intron after coding-DNA position 714, G replaced by A.
Molecular consequence: splice donor variant.
Genome position (GRCh38, 1-based): chr19:7,540,309, G>A. VCF-style: chr19-7540309-G-A. GRCh37 (hg19) VCF-style: chr19-7605195-G-A.
Other names: c.597+1G>A (NM_006702.5, NM_001166112.2, NM_001166113.1); c.741+1G>A (NM_001166111.2).
Identifiers: ClinVar variation 2823033 (VCV002823033.3), dbSNP rs2512498189, ClinGen allele CA403104956.